The following is an entry in ClinVar:

ClinVar aggregate classification (germline): Uncertain significance. Review status: criteria provided, multiple submitters, no conflicts (2 of 4 stars). 2 submissions from 2 submitters: Uncertain significance (2). Last evaluated 2024-08-13.

Conditions:
Cardiomyopathy (CMYO). Also called: Cardiomyopathies. Identifiers: Orphanet 167848, MedGen C0878544, MONDO:0004994, HP:0001638. Inheritance: Various modes of inheritance.
Cardiovascular phenotype. Identifiers: MedGen CN230736.

Allele frequency attached by ClinVar (database versions not stated): TOPMed below 0.00001; gnomAD 0.00001.
gnomAD v4.1: 1 of 1,614,142 alleles (0.000062%); highest among the groups gnomAD compares: Non-Finnish European, 0.000085%; no homozygotes.

Submissions (2):

All of Us Research Program, National Institutes of Health
Classification: Uncertain significance for Cardiomyopathy. Last evaluated: 2024-08-13. Review status: criteria provided, single submitter. Criteria: ACMG Guidelines, 2015. Collection method: clinical testing. Allele origin: germline. Inheritance: Autosomal dominant inheritance. Observed: 1 variant allele, 1 heterozygote.
Comment: This missense variant replaces valine with phenylalanine at codon 1529 of the MYH7 protein. Computational prediction tools indicate that this variant has a neutral impact on protein structure and function. To our knowledge, functional studies have not been reported for this variant. This variant has not been reported in individuals affected with MYH7-related disorders in the literature. This variant has not been identified in the general population by the Genome Aggregation Database (gnomAD). The available evidence is insufficient to determine the role of this variant in disease conclusively. Therefore, this variant is classified as a Variant of Uncertain Significance.

This study involves interpretation of variants in research participants for the purpose of population health screening. Participant phenotype was not available at the time of variant classification. Additional details can be found in publication PMID: 35346344, PMCID: PMC8962531

Ambry Genetics
Classification: Uncertain significance for Cardiovascular phenotype. Last evaluated: 2020-01-29. Review status: criteria provided, single submitter. Criteria: Ambry Variant Classification Scheme 2023. Collection method: clinical testing. Allele origin: germline.
Comment: The p.V1529F variant (also known as c.4585G>T), located in coding exon 31 of the MYH7 gene, results from a G to T substitution at nucleotide position 4585. The valine at codon 1529 is replaced by phenylalanine, an amino acid with highly similar properties. This amino acid position is not well conserved in available vertebrate species. In addition, this alteration is predicted to be tolerated by in silico analysis. Since supporting evidence is limited at this time, the clinical significance of this alteration remains unclear.

NM_000257.4(MYH7):c.4585G>T (p.Val1529Phe)

Genes: MHRT (myosin heavy chain associated RNA transcript; plus strand), MYH7 (myosin heavy chain 7; minus strand). Cytogenetic location: 14q11.2.
Variant type: single nucleotide variant.
Coding change: c.4585G>T on transcript NM_000257.4 (MANE Select); coding-DNA position 4585, G replaced by T.
Protein change: p.Val1529Phe; replaces valine 1529 with phenylalanine.
Molecular consequence: missense variant. On other transcripts: non-coding transcript variant (1).
Genome position (GRCh38, 1-based): chr14:23,416,927, C>A on the plus strand (G>T on the coding strand, the complement: MYH7 is on the minus strand). VCF-style: chr14-23416927-C-A. GRCh37 (hg19) VCF-style: chr14-23886136-C-A.
Other names: c.4585G>T, p.Val1529Phe (NM_001407004.1); short protein forms V1529F.
Identifiers: ClinVar variation 1741670 (VCV001741670.3), dbSNP rs1595074307, ClinGen allele CA389038084.